The following is an entry in ClinVar:

NM_024301.5(FKRP):c.1020C>G (p.Tyr340Ter)

Gene: FKRP (fukutin related protein; plus strand). Cytogenetic location: 19q13.32.
Variant type: single nucleotide variant.
Coding change: c.1020C>G on transcript NM_024301.5 (MANE Select); coding-DNA position 1020, C replaced by G.
Protein change: p.Tyr340Ter; replaces tyrosine 340 with a stop codon.
Molecular consequence: nonsense.
Genome position (GRCh38, 1-based): chr19:46,756,470, C>G. VCF-style: chr19-46756470-C-G. GRCh37 (hg19) VCF-style: chr19-47259727-C-G.
Other names: c.1020C>G (NM_024301.4); c.1020C>G, p.Tyr340Ter (NM_001039885.3); short protein forms Y340*.
Identifiers: ClinVar variation 2675707 (VCV002675707.2), dbSNP rs77351928, ClinGen allele CA406496484.

ClinVar aggregate classification (germline): Pathogenic/Likely pathogenic. Review status: criteria provided, multiple submitters, no conflicts (2 of 4 stars). 2 submissions from 2 submitters: Pathogenic (1); Likely pathogenic (1). Last evaluated 2024-03-25.

Conditions:
Autosomal recessive limb-girdle muscular dystrophy type 2I. Also called: MUSCULAR DYSTROPHY-DYSTROGLYCANOPATHY (LIMB-GIRDLE), TYPE C, 5; MUSCULAR DYSTROPHY-DYSTROGLYCANOPATHY, LIMB-GIRDLE, FRKP-RELATED; MUSCULAR DYSTROPHY, LIMB-GIRDLE, TYPE 2I. Identifiers: Orphanet 34515, MedGen C1846672, MONDO:0011787, OMIM 607155.
Muscular dystrophy-dystroglycanopathy (congenital with brain and eye anomalies), type A5. Also called: MUSCULAR DYSTROPHY-DYSTROGLYCANOPATHY (CONGENITAL WITH BRAIN AND EYE ANOMALIES), TYPE A, 5; WALKER-WARBURG SYNDROME OR MUSCLE-EYE-BRAIN DISEASE, FKRP-RELATED. Identifiers: Orphanet 588, Orphanet 899, MedGen C3150413, MONDO:0013157, OMIM 613153.

Submissions (2):

Natera, Inc.
Classification: Likely pathogenic for Limb-girdle muscular dystrophy type 2I. Last evaluated: 2024-03-25. Review status: criteria provided, single submitter. Criteria: Natera Variant Classification Schema (03/2026). Collection method: clinical testing. Allele origin: germline.
Comment: The c.1020C>G variant in FKRP is a nonsense variant predicted to introduce a stop codon at amino acid 340. This variant is expected to result in nonsense mediated decay, truncation, or a dysfunctional protein product. This variant is rare in the general population with a frequency below the threshold expected for the associated phenotype(s). This variant has been observed in one or more individuals affected with the associated recessive disease, as either homozygous or compound heterozygous with a second variant (PMID: 34958143). Given the available evidence, this variant is classified as Likely Pathogenic.

Baylor Genetics
Classification: Pathogenic for Muscular dystrophy-dystroglycanopathy (congenital with brain and eye anomalies), type A5. Last evaluated: 2023-02-01. Review status: criteria provided, single submitter. Criteria: ACMG Guidelines, 2015. Collection method: clinical testing. Allele origin: unknown.

Literature cited by the submitters: PubMed 34958143 (cited by Natera, Inc.).